The following is an entry in ClinVar:

ClinVar aggregate classification (germline): Pathogenic. Review status: criteria provided, multiple submitters, no conflicts (2 of 4 stars). 6 submissions from 6 submitters: Pathogenic (5). 1 of the submissions does not count toward it. Last evaluated 2026-01-05.

Conditions:
Spastic paraplegia. Identifiers: MedGen C0037772, HP:0001258.
Charlevoix-Saguenay spastic ataxia (SACS). Also called: AUTOSOMAL RECESSIVE SPASTIC ATAXIA OF CHARLEVOIX-SAGUENAY; Spastic ataxia of Charlevoix-Saguenay; SPASTIC ATAXIA 6, AUTOSOMAL RECESSIVE. Identifiers: Orphanet 98, MedGen C1849140, MONDO:0010041, OMIM 270550.

Submissions (6):

Labcorp Genetics (formerly Invitae), Labcorp
Classification: Pathogenic for Spastic paraplegia. Last evaluated: 2026-01-05. Review status: criteria provided, single submitter. Criteria: Invitae Variant Classification Sherloc (09022015). Collection method: clinical testing. Allele origin: germline.
Comment: This sequence change creates a premature translational stop signal (p.Asp968Valfs*13) in the SACS gene. While this is not anticipated to result in nonsense mediated decay, it is expected to disrupt the last 3612 amino acid(s) of the SACS protein. This variant is not present in population databases (gnomAD no frequency). This premature translational stop signal has been observed in individual(s) with clinical features of SACS-related conditions (PMID: 29858556). ClinVar contains an entry for this variant (Variation ID: 549687). This variant disrupts a region of the SACS protein in which other variant(s) (p.Arg3903*) have been determined to be pathogenic (PMID: 19892370, 21745802). This suggests that this is a clinically significant region of the protein, and that variants that disrupt it are likely to be disease-causing. For these reasons, this variant has been classified as Pathogenic.

Natera, Inc.
Classification: Pathogenic for Charlevoix-Saguenay type spastic ataxia. Last evaluated: 2025-12-02. Review status: criteria provided, single submitter. Criteria: Natera Variant Classification Schema (03/2026). Collection method: clinical testing. Allele origin: germline.
Comment: The c.2903_2906delACAG variant in SACS is a frameshift variant predicted to shift the reading frame beginning at codon 968 and leads to a stop codon 13 codons downstream. This variant is expected to result in nonsense mediated decay, truncation, or a dysfunctional protein product. This variant is rare in the general population with a frequency below the threshold expected for the associated phenotype(s). This variant has been observed in one or more individuals affected with the associated recessive disease, as either homozygous or compound heterozygous with a second variant (PMID: 29858556, 32709422). Given the available evidence, this variant is classified as Pathogenic.

Mayo Clinic Laboratories, Mayo Clinic
Classification: Pathogenic. Last evaluated: 2024-08-19. Review status: criteria provided, single submitter. Criteria: ACMG Guidelines, 2015. Collection method: clinical testing. Allele origin: germline. Observed: 2 variant alleles.
Comment: PM2, PM3_supporting, PVS1_strong

Baylor Genetics
Classification: Pathogenic for Charlevoix-Saguenay spastic ataxia. Last evaluated: 2024-03-04. Review status: criteria provided, single submitter. Criteria: ACMG Guidelines, 2015. Collection method: clinical testing. Allele origin: unknown.

Revvity Omics, Revvity
Classification: Pathogenic for Charlevoix-Saguenay spastic ataxia. Last evaluated: 2021-01-08. Review status: criteria provided, single submitter. Criteria: ACMG Guidelines, 2015. Collection method: clinical testing. Allele origin: germline.

Institute of Human Genetics, Cologne University
Classification: Pathogenic for Charlevoix-Saguenay spastic ataxia. Last evaluated: 2018-04-25. Review status: no assertion criteria provided. Collection method: clinical testing. Allele origin: germline. Affected: yes. Not counted in ClinVar's aggregate classification.

Literature cited by the submitters: PubMed 29858556 (cited by 3 submitters); PubMed 19892370 (cited by Labcorp Genetics (formerly Invitae), Labcorp); PubMed 21745802 (cited by Labcorp Genetics (formerly Invitae), Labcorp); PubMed 32709422 (cited by Natera, Inc. and Mayo Clinic Laboratories, Mayo Clinic); PubMed 38928084 (cited by Mayo Clinic Laboratories, Mayo Clinic).

NM_014363.6(SACS):c.2903_2906del (p.Asp968fs)

Gene: SACS (sacsin molecular chaperone; minus strand). Cytogenetic location: 13q12.12.
Variant type: Deletion.
Coding change: c.2903_2906del on transcript NM_014363.6 (MANE Select); coding-DNA positions 2903 to 2906, 4 bases deleted (ACAG; older notation c.2903_2906delACAG).
Protein change: p.Asp968fs; shifts the reading frame from aspartic acid 968.
Molecular consequence: frameshift variant.
Genome position (GRCh38, 1-based): chr13:23,340,970-23,340,973, CTGT deleted on the plus strand (ACAG on the coding strand, the reverse complement: SACS is on the minus strand); deleting any 4 consecutive bases within chr13:23,340,970-23,340,975 gives the same sequence; the c. name uses the placement nearest the transcript's 3' end. VCF-style (leftmost placement, unchanged base first): chr13-23340969-ACTGT-A. GRCh37 (hg19) VCF-style: chr13-23915108-ACTGT-A.
Other names: p.Asp968Valfs*13; c.2462_2465del, p.Asp821fs (NM_001278055.2); c.2903_2906delACAG (NM_014363.6); short protein forms D821fs, D968fs.
Identifiers: ClinVar variation 549687 (VCV000549687.17), dbSNP rs1259615333, ClinGen allele CA658823486.
Genomic context (GRCh38, chr13:23,340,969, plus strand): 5'-AGTGGTCTTTAACTGTTCTATTTTCAACATGTTTGCCAGACGAATAGTAGCTTCATCACT[ACTGT>A]CTATTACTGAAATAGAAAGTCGCAGATCTGCTGGGAGTTTGGCAGTATGGTGTAAGACTT-3'